The following is an entry in ClinVar:

NM_020937.4(FANCM):c.674A>C (p.Tyr225Ser)

Gene: FANCM (FA complementation group M; plus strand). Cytogenetic location: 14q21.2.
Variant type: single nucleotide variant.
Coding change: c.674A>C on transcript NM_020937.4 (MANE Select); coding-DNA position 674, A replaced by C.
Protein change: p.Tyr225Ser; replaces tyrosine 225 with serine.
Molecular consequence: missense variant.
Genome position (GRCh38, 1-based): chr14:45,137,234, A>C. VCF-style: chr14-45137234-A-C. GRCh37 (hg19) VCF-style: chr14-45606437-A-C.
Other names: c.674A>C, p.Tyr225Ser (NM_001308133.2, NM_001308134.2); short protein forms Y225S.
Identifiers: ClinVar variation 3512978 (VCV003512978.1).

ClinVar aggregate classification (germline): Uncertain significance (1 of 4 stars; one submission).

Conditions:
Inborn genetic diseases. Identifiers: MedGen C0950123, MeSH D030342.

Submission:

Ambry Genetics
Classification: Uncertain significance for Inborn genetic diseases. Last evaluated: 2024-12-06. Review status: criteria provided, single submitter. Criteria: Ambry Variant Classification Scheme 2023. Collection method: clinical testing. Allele origin: germline.
Comment: The p.Y225S variant (also known as c.674A>C), located in coding exon 2 of the FANCM gene, results from an A to C substitution at nucleotide position 674. The tyrosine at codon 225 is replaced by serine, an amino acid with dissimilar properties. This amino acid position is conserved. In addition, the in silico prediction for this alteration is inconclusive. Based on the available evidence, the clinical significance of this variant remains unclear.